The following is an entry in ClinVar:

ClinVar aggregate classification (germline): Uncertain significance. Review status: criteria provided, multiple submitters, no conflicts (2 of 4 stars). 2 submissions from 2 submitters: Uncertain significance (2). Last evaluated 2025-08-22.

Conditions:
Cardiovascular phenotype. Identifiers: MedGen CN230736.
Arrhythmogenic right ventricular dysplasia 8 (ARVD8). Also called: Arrhythmogenic Right Ventricular Dysplasia/Cardiomyopathy 8; ARRHYTHMOGENIC RIGHT VENTRICULAR DYSPLASIA, FAMILIAL, 8; ARRHYTHMOGENIC RIGHT VENTRICULAR CARDIOMYOPATHY 8. Identifiers: MedGen C1843896, MONDO:0011831, OMIM 607450.
Arrhythmogenic cardiomyopathy with wooly hair and keratoderma. Also called: Dilated cardiomyopathy with woolly hair and keratoderma; Arrhythmogenic cardiomyopathy with woolly hair and keratoderma; Carvajal syndrome; PALMOPLANTAR KERATODERMA WITH LEFT VENTRICULAR CARDIOMYOPATHY AND WOOLLY HAIR. Identifiers: Orphanet 65282, MedGen C1854063, MONDO:0011581, OMIM 605676.

Allele frequency attached by ClinVar (database versions not stated): TOPMed 0.00001.
gnomAD v4.1: 2 of 1,614,042 alleles (0.00012%); highest among the groups gnomAD compares: Non-Finnish European, 0.00017%; no homozygotes.

Submissions (2):

Ambry Genetics
Classification: Uncertain significance for Cardiovascular phenotype. Last evaluated: 2025-08-22. Review status: criteria provided, single submitter. Criteria: Ambry Variant Classification Scheme 2023. Collection method: clinical testing. Allele origin: germline.

Labcorp Genetics (formerly Invitae), Labcorp
Classification: Uncertain significance for Arrhythmogenic cardiomyopathy with wooly hair and keratoderma; Arrhythmogenic right ventricular dysplasia 8. Last evaluated: 2024-02-23. Review status: criteria provided, single submitter. Criteria: Invitae Variant Classification Sherloc (09022015). Collection method: clinical testing. Allele origin: germline.
Comment: This sequence change replaces phenylalanine, which is neutral and non-polar, with cysteine, which is neutral and slightly polar, at codon 2695 of the DSP protein (p.Phe2695Cys). This variant is not present in population databases (gnomAD no frequency). This variant has not been reported in the literature in individuals affected with DSP-related conditions. ClinVar contains an entry for this variant (Variation ID: 647741). An algorithm developed to predict the effect of missense changes on protein structure and function (PolyPhen-2) suggests that this variant is likely to be disruptive. In summary, the available evidence is currently insufficient to determine the role of this variant in disease. Therefore, it has been classified as a Variant of Uncertain Significance.

NM_004415.4(DSP):c.8084T>G (p.Phe2695Cys)

Gene: DSP (desmoplakin; plus strand). Cytogenetic location: 6p24.3.
Variant type: single nucleotide variant.
Coding change: c.8084T>G on transcript NM_004415.4 (MANE Select); coding-DNA position 8084, T replaced by G.
Protein change: p.Phe2695Cys; replaces phenylalanine 2695 with cysteine.
Molecular consequence: missense variant.
Genome position (GRCh38, 1-based): chr6:7,585,346, T>G. VCF-style: chr6-7585346-T-G. GRCh37 (hg19) VCF-style: chr6-7585579-T-G.
Other names: c.8084T>G (LRG_423t1); c.6287T>G, p.Phe2096Cys (NM_001008844.3); c.6755T>G, p.Phe2252Cys (NM_001319034.2); short protein forms F2096C, F2252C, F2695C.
Identifiers: ClinVar variation 647741 (VCV000647741.12), dbSNP rs764994940, ClinGen allele CA362694401.